The following continues an entry in ClinVar:

NM_003072.5(SMARCA4):c.2275-3C>A

Gene: SMARCA4. ClinVar aggregate classification (germline): Conflicting classifications of pathogenicity. Uncertain significance (2); Benign (8); Likely benign (7).

Submissions 26 to 38 of 38:

Dr. Peter K. Rogan Lab, Western University
No classification provided (evidence only). Condition: Colon adenocarcinoma. Review status: no classification provided. Collection method: in vitro. Allele origin: not applicable. Functional consequence: retained intron. Not counted in ClinVar's aggregate classification.

Dr. Peter K. Rogan Lab, Western University
No classification provided (evidence only). Condition: Colon adenocarcinoma. Review status: no classification provided. Collection method: in vitro. Allele origin: not applicable. Functional consequence: retained intron. Not counted in ClinVar's aggregate classification.

Dr. Peter K. Rogan Lab, Western University
No classification provided (evidence only). Condition: Colon adenocarcinoma. Review status: no classification provided. Collection method: in vitro. Allele origin: not applicable. Functional consequence: retained intron. Not counted in ClinVar's aggregate classification.

Dr. Peter K. Rogan Lab, Western University
No classification provided (evidence only). Condition: Cervical cancer. Review status: no classification provided. Collection method: in vitro. Allele origin: not applicable. Functional consequence: retained intron. Not counted in ClinVar's aggregate classification.

Dr. Peter K. Rogan Lab, Western University
No classification provided (evidence only). Condition: Cervical cancer. Review status: no classification provided. Collection method: in vitro. Allele origin: not applicable. Functional consequence: retained intron. Not counted in ClinVar's aggregate classification.

Dr. Peter K. Rogan Lab, Western University
No classification provided (evidence only). Condition: Sarcoma. Review status: no classification provided. Collection method: in vitro. Allele origin: not applicable. Functional consequence: retained intron. Not counted in ClinVar's aggregate classification.

Dr. Peter K. Rogan Lab, Western University
No classification provided (evidence only). Condition: Thymoma. Review status: no classification provided. Collection method: in vitro. Allele origin: not applicable. Functional consequence: retained intron. Not counted in ClinVar's aggregate classification.

Dr. Peter K. Rogan Lab, Western University
No classification provided (evidence only). Condition: Thymoma. Review status: no classification provided. Collection method: in vitro. Allele origin: not applicable. Functional consequence: retained intron. Not counted in ClinVar's aggregate classification.

Dr. Peter K. Rogan Lab, Western University
No classification provided (evidence only). Condition: Ovarian serous cystadenocarcinoma. Review status: no classification provided. Collection method: in vitro. Allele origin: not applicable. Functional consequence: retained intron. Not counted in ClinVar's aggregate classification.

Dr. Peter K. Rogan Lab, Western University
No classification provided (evidence only). Condition: Uterine carcinosarcoma. Review status: no classification provided. Collection method: in vitro. Allele origin: not applicable. Functional consequence: retained intron. Not counted in ClinVar's aggregate classification.

Dr. Peter K. Rogan Lab, Western University
No classification provided (evidence only). Condition: Uveal melanoma. Review status: no classification provided. Collection method: in vitro. Allele origin: not applicable. Functional consequence: retained intron. Not counted in ClinVar's aggregate classification.

Dr. Peter K. Rogan Lab, Western University
No classification provided (evidence only). Condition: Malignant tumor of esophagus. Review status: no classification provided. Collection method: in vitro. Allele origin: not applicable. Functional consequence: retained intron. Not counted in ClinVar's aggregate classification.

Genome Diagnostics Laboratory, Amsterdam University Medical Center
Classification: Likely benign. Review status: no assertion criteria provided. Collection method: clinical testing. Allele origin: germline. Affected: yes. Study: VKGL Data-share Consensus. Not counted in ClinVar's aggregate classification.

Literature cited by the submitters: PubMed 34680878 (cited by Quest Diagnostics Nichols Institute San Juan Capistrano).